The following is an entry in ClinVar:

NM_006415.4(SPTLC1):c.1136G>A (p.Gly379Asp)

Gene: SPTLC1 (serine palmitoyltransferase long chain base subunit 1; minus strand). Cytogenetic location: 9q22.31.
Variant type: single nucleotide variant.
Coding change: c.1136G>A on transcript NM_006415.4 (MANE Select); coding-DNA position 1136, G replaced by A.
Protein change: p.Gly379Asp; replaces glycine 379 with aspartic acid.
Molecular consequence: missense variant.
Genome position (GRCh38, 1-based): chr9:92,045,999, C>T on the plus strand (G>A on the coding strand, the complement: SPTLC1 is on the minus strand). VCF-style: chr9-92045999-C-T. GRCh37 (hg19) VCF-style: chr9-94808281-C-T.
Other names: c.1136G>A, p.Gly379Asp (NM_001281303.2); c.770G>A, p.Gly257Asp (NM_001368272.1); c.671G>A, p.Gly224Asp (NM_001368273.1); short protein forms G224D, G257D, G379D.
Identifiers: ClinVar variation 4292571 (VCV004292571.1).

ClinVar aggregate classification (germline): Uncertain significance (1 of 4 stars; one submission).

Conditions:
SPTLC1-related disorder. Also called: SPTLC1-related condition.

gnomAD v4.1: 1 of 1,612,426 alleles (0.000062%); highest among the groups gnomAD compares: Admixed American, 0.0017%; no homozygotes.

Submission:

3billion
Classification: Uncertain significance for SPTLC1-related disorder. Last evaluated: 2024-11-08. Review status: criteria provided, single submitter. Criteria: ACMG Guidelines, 2015. Collection method: clinical testing. Allele origin: germline. Affected: yes.
Comment: The variant is observed at an extremely low frequency in the gnomAD v4.1.0 dataset (total allele frequency: <0.001%). Predicted Consequence/Location: Missense variant. Missense changes are a common disease-causing mechanism. Therefore, this variant is classified as VUS according to the recommendation of ACMG/AMP guideline.